The following is an entry in ClinVar:

ClinVar aggregate classification (germline): Uncertain significance (1 of 4 stars; one submission).

Conditions:
CSTA-related disorder. Also called: CSTA-related condition.

gnomAD v4.1: 67 of 1,613,890 alleles (0.0042%); highest among the groups gnomAD compares: African/African-American, 0.045%; no homozygotes.

Submission:

PreventionGenetics, part of Exact Sciences
Classification: Uncertain significance for CSTA-related condition. Last evaluated: 2025-03-04. Review status: criteria provided, single submitter. Criteria: ACMG Guidelines, 2015. Collection method: clinical testing. Allele origin: germline.
Comment: The CSTA c.223G>A variant is predicted to result in the amino acid substitution p.Gly75Arg. To our knowledge, this variant has not been reported in the literature. This variant is reported in 0.036% of alleles in individuals of African descent in gnomAD. At this time, the clinical significance of this variant is uncertain due to the absence of conclusive functional and genetic evidence.

NM_005213.4(CSTA):c.223G>A (p.Gly75Arg)

Gene: CSTA (cystatin A; plus strand). Cytogenetic location: 3q21.1.
Variant type: single nucleotide variant.
Coding change: c.223G>A on transcript NM_005213.4 (MANE Select); coding-DNA position 223, G replaced by A.
Protein change: p.Gly75Arg; replaces glycine 75 with arginine.
Molecular consequence: missense variant.
Genome position (GRCh38, 1-based): chr3:122,341,493, G>A. VCF-style: chr3-122341493-G-A. GRCh37 (hg19) VCF-style: chr3-122060340-G-A.
Other names: short protein forms G75R.
Identifiers: ClinVar variation 4983968 (VCV004983968.1).